The following is an entry in ClinVar:

ClinVar aggregate classification (germline): Uncertain significance. Review status: criteria provided, multiple submitters, no conflicts (2 of 4 stars). 2 submissions from 2 submitters: Uncertain significance (2). Last evaluated 2023-07-17.

Allele frequency attached by ClinVar (database versions not stated): ExAC 0.00001; gnomAD 0.00001; gnomAD exomes 0.00001; TOPMed 0.00002.
gnomAD v4.1: 19 of 1,553,922 alleles (0.0012%); highest among the groups gnomAD compares: Non-Finnish European, 0.0017%; no homozygotes.

Submissions (2):

Ambry Genetics
Classification: Uncertain significance. Last evaluated: 2023-07-17. Review status: criteria provided, single submitter. Criteria: Ambry Variant Classification Scheme 2023. Collection method: clinical testing. Allele origin: germline.
Comment: The p.S344L variant (also known as c.1031C>T), located in coding exon 12 of the NPAT gene, results from a C to T substitution at nucleotide position 1031. The serine at codon 344 is replaced by leucine, an amino acid with dissimilar properties. This amino acid position is conserved. In addition, this alteration is predicted to be tolerated by in silico analysis. Since supporting evidence is limited at this time, the clinical significance of this alteration remains unclear.

Labcorp Genetics (formerly Invitae), Labcorp
Classification: Uncertain significance. Last evaluated: 2023-07-03. Review status: criteria provided, single submitter. Criteria: Invitae Variant Classification Sherloc (09022015). Collection method: clinical testing. Allele origin: germline.
Comment: An algorithm developed to predict the effect of missense changes on protein structure and function (PolyPhen-2) suggests that this variant is likely to be disruptive. ClinVar contains an entry for this variant (Variation ID: 1771284). This variant has not been reported in the literature in individuals affected with NPAT-related conditions. This variant is present in population databases (rs746949130, gnomAD 0.002%). This sequence change replaces serine, which is neutral and polar, with leucine, which is neutral and non-polar, at codon 344 of the NPAT protein (p.Ser344Leu). In summary, the available evidence is currently insufficient to determine the role of this variant in disease. Therefore, it has been classified as a Variant of Uncertain Significance.

NM_002519.3(NPAT):c.1031C>T (p.Ser344Leu)

Gene: NPAT (nuclear protein, coactivator of histone transcription; minus strand). Cytogenetic location: 11q22.3.
Variant type: single nucleotide variant.
Coding change: c.1031C>T on transcript NM_002519.3 (MANE Select); coding-DNA position 1031, C replaced by T.
Protein change: p.Ser344Leu; replaces serine 344 with leucine.
Molecular consequence: missense variant.
Genome position (GRCh38, 1-based): chr11:108,176,347, G>A on the plus strand (C>T on the coding strand, the complement: NPAT is on the minus strand). VCF-style: chr11-108176347-G-A. GRCh37 (hg19) VCF-style: chr11-108047074-G-A.
Other names: c.1031C>T, p.Ser344Leu (NM_001321307.1); short protein forms S344L.
Identifiers: ClinVar variation 1771284 (VCV001771284.6), dbSNP rs746949130, ClinGen allele CA6264085.